The following is an entry in ClinVar:

NM_181672.3(OGT):c.344C>T (p.Ala115Val)

Gene: OGT (O-linked N-acetylglucosamine (GlcNAc) transferase; plus strand). Cytogenetic location: Xq13.1.
Variant type: single nucleotide variant.
Coding change: c.344C>T on transcript NM_181672.3 (MANE Select); coding-DNA position 344, C replaced by T.
Protein change: p.Ala115Val; replaces alanine 115 with valine.
Molecular consequence: missense variant.
Genome position (GRCh38, 1-based): chrX:71,537,954, C>T. VCF-style: chrX-71537954-C-T. GRCh37 (hg19) VCF-style: chrX-70757804-C-T.
Other names: c.314C>T, p.Ala105Val (NM_181673.3); short protein forms A105V, A115V.
Identifiers: ClinVar variation 3601977 (VCV003601977.1).

ClinVar aggregate classification (germline): Uncertain significance (1 of 4 stars; one submission).

Conditions:
Intellectual developmental disorder, X-linked 106. Also called: Intellectual disability, X-linked 106; Mental retardation, X-linked 106. Identifiers: MedGen C4478379, MONDO:0030907, OMIM 300997.

Submission:

MVZ Medizinische Genetik Mainz
Classification: Uncertain significance for Intellectual developmental disorder, X-linked 106. Last evaluated: 2024-10-28. Review status: criteria provided, single submitter. Criteria: UK Practice Guidelines For Variant Classification V4 01 2020. Collection method: clinical testing. Allele origin: germline. Inheritance: X-linked recessive inheritance. Affected: yes. Observed: 1 variant allele.
Comment: ACMG Criteria: PM2_SUP,PP2,PP3